The following is an entry in ClinVar:

NM_000277.3(PAH):c.1036G>A (p.Gly346Arg)

Gene: PAH (phenylalanine hydroxylase; minus strand). Cytogenetic location: 12q23.2.
Variant type: single nucleotide variant.
Coding change: c.1036G>A on transcript NM_000277.3 (MANE Select); coding-DNA position 1036, G replaced by A.
Protein change: p.Gly346Arg; replaces glycine 346 with arginine.
Molecular consequence: missense variant.
Genome position (GRCh38, 1-based): chr12:102,844,365, C>T on the plus strand (G>A on the coding strand, the complement: PAH is on the minus strand). VCF-style: chr12-102844365-C-T. GRCh37 (hg19) VCF-style: chr12-103238143-C-T.
Other names: NM_000277.1(PAH):c.1036G>A; p.Gly346Arg; c.1036G>A, p.Gly346Arg (NM_001354304.2); short protein forms G346R.
Identifiers: ClinVar variation 102485 (VCV000102485.2), dbSNP rs62508688, ClinGen allele CA229292.

ClinVar aggregate classification (germline): Likely pathogenic. Review status: reviewed by expert panel (3 of 4 stars). 2 submissions from 2 submitters: Likely pathogenic (1). 1 of the submissions does not count toward it. Last evaluated 2026-02-18.

Conditions:
Phenylketonuria (PKU). Also called: Phenylketonuria (PKU); FOLLING DISEASE; OLIGOPHRENIA PHENYLPYRUVICA; Phenylketonurias. Identifiers: Orphanet 716, MedGen C0031485, MONDO:0009861, OMIM 261600. Disease mechanism: loss of function.

Submissions (2):

ClinGen PAH Variant Curation Expert Panel
Classification: Likely pathogenic for Phenylketonuria. Last evaluated: 2026-02-18. Review status: reviewed by expert panel. Criteria: ClinGen PAH ACMG Specifications PAH V2.0.0. Collection method: curation. Allele origin: germline. Inheritance: Autosomal recessive inheritance.
Comment: The c.1036G>A variant in PAH is a missense variant predicted to cause substitution of glycine by arginine at amino acid 346 (p.Gly346Arg). At least one patient with this variant displayed plasma phenylalanine concentration persistently above 120umol/L (2mg/dL) AND either normal urine pterins and normal DHPR activity OR sequencing of genes in the BH4 cofactor metabolism pathway excluded a defect of BH4 cofactor metabolism, which is highly specific for PAH deficiency (PP4_Moderate, PMID: 30050108, 31332730). Of those individuals, two were compound heterozygous for the variant and distinct pathogenic or likely pathogenic variants and one of those was confirmed in trans by parental testing (PMID: 30050108, 16256386, 1.5 points, PM3). This variant is absent from gnomAD v4.1.0 (PM2_Supporting). The computational predictor REVEL gives a score of 0.987, which meets the threshold of 0.932, evidence that correlates with strong impact to PAH function (PP3_Strong). In summary, this variant meets the criteria to be classified as likely pathogenic for autosomal recessive PAH deficiency based on the ACMG/AMP criteria applied, as specified by the ClinGen PAH Variant Curation Expert Panel: PP3_strong, PM3, PP4_moderate, PM2_supporting (PAH VCEP specifications version 2.0.0; approved July 16, 2024).

DeBelle Laboratory for Biochemical Genetics, MUHC/MCH RESEARCH INSTITUTE
No classification provided. Review status: no classification provided. Collection method: not provided. Allele origin: not provided. Not counted in ClinVar's aggregate classification.